The following is an entry in ClinVar:

ClinVar aggregate classification (germline): Uncertain significance. Review status: criteria provided, multiple submitters, no conflicts (2 of 4 stars). 2 submissions from 2 submitters: Uncertain significance (2). Last evaluated 2025-09-24.

Conditions:
Kabuki syndrome 2 (KABUK2). Also called: KDM6A-Related Kabuki Syndrome. Identifiers: Orphanet 2322, MedGen C3275495, MONDO:0010465, OMIM 300867.

Allele frequency attached by ClinVar (database versions not stated): gnomAD exomes below 0.00001; ExAC 0.00001.
gnomAD v4.1: 1 of 1,209,923 alleles (0.000083%); highest among the groups gnomAD compares: East Asian, 0.003%; no homozygotes.

Submissions (2):

Genesolutions, Medical Genetics Institutes, Ho Chi Minh City, Vietnam
Classification: Uncertain significance for Kabuki syndrome 2. Last evaluated: 2025-09-24. Review status: criteria provided, single submitter. Criteria: ACMG Guidelines, 2015. Collection method: clinical testing. Allele origin: germline. Affected: yes.

Labcorp Genetics (formerly Invitae), Labcorp
Classification: Uncertain significance for Kabuki syndrome 2. Last evaluated: 2023-12-11. Review status: criteria provided, single submitter. Criteria: Invitae Variant Classification Sherloc (09022015). Collection method: clinical testing. Allele origin: germline.
Comment: This sequence change replaces aspartic acid, which is acidic and polar, with glycine, which is neutral and non-polar, at codon 1360 of the KDM6A protein (p.Asp1360Gly). This variant is present in population databases (rs759721484, gnomAD 0.02%). This variant has not been reported in the literature in individuals affected with KDM6A-related conditions. ClinVar contains an entry for this variant (Variation ID: 2156718). Advanced modeling of protein sequence and biophysical properties (such as structural, functional, and spatial information, amino acid conservation, physicochemical variation, residue mobility, and thermodynamic stability) performed at Invitae indicates that this missense variant is not expected to disrupt KDM6A protein function with a negative predictive value of 80%. In summary, the available evidence is currently insufficient to determine the role of this variant in disease. Therefore, it has been classified as a Variant of Uncertain Significance.

NM_001291415.2(KDM6A):c.4235A>G (p.Asp1412Gly)

Gene: KDM6A (lysine demethylase 6A; plus strand). Cytogenetic location: Xp11.3.
Variant type: single nucleotide variant.
Coding change: c.4235A>G on transcript NM_001291415.2 (MANE Select); coding-DNA position 4235, A replaced by G.
Protein change: p.Asp1412Gly; replaces aspartic acid 1412 with glycine.
Molecular consequence: missense variant. On other transcripts: non-coding transcript variant (1).
Genome position (GRCh38, 1-based): chrX:45,110,152, A>G. VCF-style: chrX-45110152-A-G. GRCh37 (hg19) VCF-style: chrX-44969397-A-G.
Other names: c.4100A>G, p.Asp1367Gly (NM_001291416.2); c.3977A>G, p.Asp1326Gly (NM_001410742.1); c.4079A>G, p.Asp1360Gly (NM_021140.4); c.3944A>G, p.Asp1315Gly (NM_001291417.2); c.3842A>G, p.Asp1281Gly (NM_001291418.2); c.3191A>G, p.Asp1064Gly (NM_001291421.2); short protein forms D1326G, D1064G, D1281G, D1367G, D1412G, D1315G, D1360G.
Identifiers: ClinVar variation 2156718 (VCV002156718.4), dbSNP rs759721484, ClinGen allele CA10392802.
Genomic context (GRCh38, chrX:45,110,152, plus strand): 5'-ATCTGCTTTTTGTCACTAATGAGAGTAATTCACGAAAGACCTACATAGTACATTGCCAAG[A>G]TTGTGCACGAAAAACAAGCGGAAACTTGGAAAACTTTGTGGTGCTAGAACAGTACAAAAT-3'
Protein context (NP_001278344.1, residues 1402-1422): SRKTYIVHCQ[Asp1412Gly]CARKTSGNLE